The following is an entry in ClinVar:

ClinVar aggregate classification (germline): Likely benign. Review status: criteria provided, multiple submitters, no conflicts (2 of 4 stars). 3 submissions from 3 submitters: Likely benign (3). Last evaluated 2025-10-23.

Allele frequency attached by ClinVar (database versions not stated): ExAC 0.00001; gnomAD exomes 0.00002; gnomAD 0.00003; TOPMed 0.00003.
gnomAD v4.1: 144 of 1,613,404 alleles (0.0089%); highest among the groups gnomAD compares: Non-Finnish European, 0.011%; 1 homozygote.

Submissions (3):

Labcorp Genetics (formerly Invitae), Labcorp
Classification: Likely benign. Last evaluated: 2025-10-23. Review status: criteria provided, single submitter. Criteria: Invitae Variant Classification Sherloc (09022015). Collection method: clinical testing. Allele origin: germline.

Mayo Clinic Laboratories, Mayo Clinic
Classification: Likely benign. Last evaluated: 2025-05-13. Review status: criteria provided, single submitter. Criteria: ACMG Guidelines, 2015. Collection method: clinical testing. Allele origin: germline. Observed: 1 variant allele.
Comment: BP4, BP7

Blueprint Genetics
Classification: Likely benign. Last evaluated: 2023-05-08. Review status: criteria provided, single submitter. Criteria: ACMG Guidelines, 2015. Collection method: clinical testing. Allele origin: germline.

NM_000204.5(CFI):c.1233C>T (p.Tyr411=)

Gene: CFI (complement factor I; minus strand). Cytogenetic location: 4q25.
Variant type: single nucleotide variant.
Coding change: c.1233C>T on transcript NM_000204.5 (MANE Select); coding-DNA position 1233, C replaced by T.
Protein change: p.Tyr411=; no amino-acid change (tyrosine 411 retained).
Molecular consequence: synonymous variant. On other transcripts: non-coding transcript variant (2).
Genome position (GRCh38, 1-based): chr4:109,746,418, G>A on the plus strand (C>T on the coding strand, the complement: CFI is on the minus strand). VCF-style: chr4-109746418-G-A. GRCh37 (hg19) VCF-style: chr4-110667574-G-A.
Other names: p.Tyr411=; c.1257C>T, p.Tyr419= (NM_001318057.2, NM_001375278.1); c.1212C>T, p.Tyr404= (NM_001331035.2, NM_001375280.1, NM_001375282.1); c.1233C>T, p.Tyr411= (NM_001375279.1, NM_001375281.1); c.1176C>T, p.Tyr392= (NM_001375283.1); c.624C>T, p.Tyr208= (NM_001375284.1); c.1233C>T (NM_000204.4).
Identifiers: ClinVar variation 1550117 (VCV001550117.10), dbSNP rs752671716, ClinGen allele CA3041965.